The following is an entry in ClinVar:

ClinVar aggregate classification (germline): Pathogenic (0 of 4 stars; one submission).

Conditions:
Childhood apraxia of speech (SPCH1). Also called: Speech language disorder; DEVELOPMENTAL VERBAL DYSPRAXIA; SPEECH AND LANGUAGE DISORDER WITH OROFACIAL DYSPRAXIA; FOXP2-Related Speech and Language Disorder. Identifiers: Orphanet 209908, MedGen C0750927, MONDO:0011184, OMIM 602081.

Submission:

GeneReviews
Classification: Pathogenic for Childhood apraxia of speech. Last evaluated: 2016-03-02. Review status: no assertion criteria provided. Collection method: literature only. Allele origin: germline. Affected: yes. Observed: 1 variant allele.
Comment: Speech: Verbal dyspraxia Oromotor: Severe orofacial dyspraxia Language: Impaired expressive & receptive Cognition: Normal non-verbal skills

Literature cited by the submitters: PubMed 11586359; PubMed 10880297.

t(5;7)(q22;q31.2)

Gene: FOXP2 (forkhead box P2; plus strand). Cytogenetic location: 7q31.1.
Variant type: Translocation.
Identifiers: ClinVar variation 242954 (VCV000242954.2).